The following is an entry in ClinVar:

ClinVar aggregate classification (germline): Likely benign (1 of 4 stars; one submission).

Allele frequency attached by ClinVar (database versions not stated): TOPMed 0.00001; gnomAD exomes 0.00002; gnomAD 0.00001; ExAC 0.00002.
gnomAD v4.1: 5 of 1,607,276 alleles (0.00031%); highest among the groups gnomAD compares: Admixed American, 0.0067%; no homozygotes.

Submission:

GeneDx
Classification: Likely benign. Last evaluated: 2018-05-23. Review status: criteria provided, single submitter. Criteria: GeneDx Variant Classification (06012015). Collection method: clinical testing. Allele origin: germline. Affected: yes.
Comment: This variant is considered likely benign or benign based on one or more of the following criteria: it is a conservative change, it occurs at a poorly conserved position in the protein, it is predicted to be benign by multiple in silico algorithms, and/or has population frequency not consistent with disease.

NM_005343.4(HRAS):c.*5+14C>G

Genes: HRAS (HRas proto-oncogene, GTPase; minus strand), LRRC56 (leucine rich repeat containing 56; plus strand). Cytogenetic location: 11p15.5.
Variant type: single nucleotide variant.
Coding change: c.*5+14C>G on transcript NM_005343.4 (MANE Select); 14 bases into the intron after 5 bases downstream of the stop codon, C replaced by G.
Molecular consequence: intron variant. On other transcripts: 3 prime UTR variant (2).
Genome position (GRCh38, 1-based): chr11:532,617, G>C on the plus strand (C>G on the coding strand, the complement: HRAS is on the minus strand). VCF-style: chr11-532617-G-C. GRCh37 (hg19) VCF-style: chr11-532617-G-C.
Other names: c.*19C>G (NM_001130442.3); c.*158C>G (NM_176795.5); c.*5+14C>G (NM_001318054.2).
Identifiers: ClinVar variation 561343 (VCV000561343.1), dbSNP rs587780953, ClinGen allele CA5779206.